The following is an entry in ClinVar:

NM_182916.3(TRNT1):c.608+6A>T

Gene: TRNT1 (tRNA nucleotidyl transferase 1; plus strand). Cytogenetic location: 3p26.2.
Variant type: single nucleotide variant.
Coding change: c.608+6A>T on transcript NM_182916.3 (MANE Select); 6 bases into the intron after coding-DNA position 608, A replaced by T.
Molecular consequence: intron variant.
Genome position (GRCh38, 1-based): chr3:3,144,716, A>T. VCF-style: chr3-3144716-A-T. GRCh37 (hg19) VCF-style: chr3-3186400-A-T.
Other names: c.608+6A>T (NM_001367321.1, NM_001367323.1, NM_001367322.1 and 1 more transcripts).
Identifiers: ClinVar variation 827993 (VCV000827993.3), dbSNP rs747803738, ClinGen allele CA915941820.

ClinVar aggregate classification (germline): Uncertain significance (1 of 4 stars; one submission).

Conditions:
Congenital sideroblastic anemia-B-cell immunodeficiency-periodic fever-developmental delay syndrome. Also called: Sideroblastic anemia with B-cell immunodeficiency, periodic fevers, and developmental delay. Identifiers: Orphanet 369861, MedGen C4015172, MONDO:0014487, OMIM 616084.
Retinitis pigmentosa and erythrocytic microcytosis (RPEM). Identifiers: MedGen C4310776, MONDO:0014850, OMIM 616959.

Submission:

Center for Genomics, Ann and Robert H. Lurie Children's Hospital of Chicago
Classification: Uncertain significance for Congenital sideroblastic anemia-B-cell immunodeficiency-periodic fever-developmental delay syndrome; Retinitis pigmentosa and erythrocytic microcytosis. Review status: criteria provided, single submitter. Criteria: ACMG Guidelines, 2015. Collection method: clinical testing. Allele origin: germline.
Comment: TRNT1 NM_182916.2 exon 5 c.608+6A>T: This variant has not been reported in the literature and is not present in large control databases. Evolutionary conservation and computational predictive tools for this variant are limited or unavailable. This variant is an intronic variant; splice prediction tools suggest that this variant may not affect splicing. However, further studies are needed to understand its impact. In summary, data on this variant is insufficient for disease classification. Therefore, the clinical significance of this variant is uncertain.